The following is an entry in ClinVar:

ClinVar aggregate classification (germline): Benign (1 of 4 stars; one submission).

Submission:

Unidad de Genómica Garrahan, Hospital de Pediatría Garrahan
Classification: Benign. Last evaluated: 2024-01-24. Review status: criteria provided, single submitter. Criteria: ACMG Guidelines, 2015. Collection method: clinical testing. Allele origin: germline. Affected: no. Observed: 27 variant alleles.
Comment: This variant is classified as Benign based on local population frequency. This variant was detected in 28% of patients studied by a panel of primary immunodeficiencies. Number of patients: 27. Only high quality variants are reported.

NM_002163.4(IRF8):c.-1-219_-1-218insGGCTGCAGGA

Gene: IRF8 (interferon regulatory factor 8; plus strand). Cytogenetic location: 16q24.1.
Variant type: Insertion.
Coding change: c.-1-219_-1-218insGGCTGCAGGA on transcript NM_002163.4 (MANE Select); 219 bases into the intron before 1 bases upstream of the start codon through 218 bases into the intron before 1 bases upstream of the start codon, GGCTGCAGGA inserted.
Molecular consequence: intron variant.
Genome position: GRCh38 VCF-style: chr16-85902796-T-TGGCTGCAGGA. GRCh37 (hg19) VCF-style: chr16-85936402-T-TGGCTGCAGGA.
Identifiers: ClinVar variation 2688262 (VCV002688262.2), dbSNP rs1904866429, ClinGen allele CA2634717001.